The following is an entry in ClinVar:

ClinVar aggregate classification (germline): Benign/Likely benign. Review status: criteria provided, multiple submitters, no conflicts (2 of 4 stars). 3 submissions from 3 submitters: Benign (1); Likely benign (1). 1 of the submissions does not count toward it. Last evaluated 2026-02-04.

Conditions:
MAK-related disorder. Also called: MAK-related condition.

Allele frequency attached by ClinVar (database versions not stated): TOPMed 0.00033; ESP Exome Variant Server 0.00046; 1000 Genomes Project 30x 0.00047; 1000 Genomes Project 0.00060; gnomAD exomes 0.00068 and 0.00121; ExAC 0.00117; gnomAD 0.00118 and 0.00120.
gnomAD v4.1: 1,171 of 1,614,210 alleles (0.073%); highest among the groups gnomAD compares: Non-Finnish European, 0.048%; 3 homozygotes.

Submissions (3):

Labcorp Genetics (formerly Invitae), Labcorp
Classification: Benign. Last evaluated: 2026-02-04. Review status: criteria provided, single submitter. Criteria: Invitae Variant Classification Sherloc (09022015). Collection method: clinical testing. Allele origin: germline.

Blueprint Genetics
Classification: Likely benign. Last evaluated: 2024-09-25. Review status: criteria provided, single submitter. Criteria: ACMG Guidelines, 2015. Collection method: clinical testing. Allele origin: germline.

PreventionGenetics, part of Exact Sciences
Classification: Benign for MAK-related condition. Last evaluated: 2019-10-16. Review status: no assertion criteria provided. Collection method: clinical testing. Allele origin: germline. Not counted in ClinVar's aggregate classification.
Comment: This variant is classified as benign based on ACMG/AMP sequence variant interpretation guidelines (Richards et al. 2015 PMID: 25741868, with internal and published modifications).

NM_001242957.3(MAK):c.1382T>C (p.Val461Ala)

Gene: MAK (male germ cell associated kinase; minus strand). Cytogenetic location: 6p24.2.
Variant type: single nucleotide variant.
Coding change: c.1382T>C on transcript NM_001242957.3 (MANE Select); coding-DNA position 1382, T replaced by C.
Protein change: p.Val461Ala; replaces valine 461 with alanine.
Molecular consequence: missense variant. On other transcripts: non-coding transcript variant (2).
Genome position (GRCh38, 1-based): chr6:10,784,507, A>G on the plus strand (T>C on the coding strand, the complement: MAK is on the minus strand). VCF-style: chr6-10784507-A-G. GRCh37 (hg19) VCF-style: chr6-10784740-A-G.
Other names: c.1382T>C (NM_001242957.2); c.1382T>C, p.Val461Ala (NM_001242385.2, NM_005906.6); c.1280T>C, p.Val427Ala (NM_001377262.1); short protein forms V427A, V461A.
Identifiers: ClinVar variation 1165111 (VCV001165111.12), dbSNP rs146071625, ClinGen allele CA3633448.